The following is an entry in ClinVar:

ClinVar aggregate classification (germline): Uncertain significance (1 of 4 stars; one submission).

gnomAD v4.1: 3 of 1,614,200 alleles (0.00019%); highest among the groups gnomAD compares: South Asian, 0.0022%; no homozygotes.

Submission:

Labcorp Genetics (formerly Invitae), Labcorp
Classification: Uncertain significance. Last evaluated: 2024-03-28. Review status: criteria provided, single submitter. Criteria: Invitae Variant Classification Sherloc (09022015). Collection method: clinical testing. Allele origin: germline.
Comment: This sequence change replaces glycine, which is neutral and non-polar, with serine, which is neutral and polar, at codon 104 of the ACTN1 protein (p.Gly104Ser). This variant is not present in population databases (gnomAD no frequency). This variant has not been reported in the literature in individuals affected with ACTN1-related conditions. Advanced modeling of protein sequence and biophysical properties (such as structural, functional, and spatial information, amino acid conservation, physicochemical variation, residue mobility, and thermodynamic stability) performed at Invitae indicates that this missense variant is expected to disrupt ACTN1 protein function with a positive predictive value of 80%. In summary, the available evidence is currently insufficient to determine the role of this variant in disease. Therefore, it has been classified as a Variant of Uncertain Significance.

NM_001130004.2(ACTN1):c.310G>A (p.Gly104Ser)

Gene: ACTN1 (actinin alpha 1; minus strand). Cytogenetic location: 14q24.1.
Variant type: single nucleotide variant.
Coding change: c.310G>A on transcript NM_001130004.2 (MANE Select); coding-DNA position 310, G replaced by A.
Protein change: p.Gly104Ser; replaces glycine 104 with serine.
Molecular consequence: missense variant. On other transcripts: 5 prime UTR variant (1).
Genome position (GRCh38, 1-based): chr14:68,921,036, C>T on the plus strand (G>A on the coding strand, the complement: ACTN1 is on the minus strand). VCF-style: chr14-68921036-C-T. GRCh37 (hg19) VCF-style: chr14-69387753-C-T.
Other names: c.397G>A, p.Gly133Ser (NM_001424015.1); c.310G>A, p.Gly104Ser (NM_001424016.1, NM_001424019.1, NM_001424023.1 and 9 more transcripts); c.307G>A, p.Gly103Ser (NM_001424017.1); c.247G>A, p.Gly83Ser (NM_001424018.1, NM_001424020.1, NM_001424022.1); c.241G>A, p.Gly81Ser (NM_001424021.1); c.115G>A, p.Gly39Ser (NM_001424026.1, NM_001424028.1, NM_001411036.1); c.-601G>A (NM_001424030.1); c.436G>A, p.Gly146Ser (NM_001424013.1); short protein forms G103S, G104S, G146S, G133S, G39S, G81S, G83S.
Identifiers: ClinVar variation 3671165 (VCV003671165.2).